The following is an entry in ClinVar:

ClinVar aggregate classification (germline): Benign/Likely benign. Review status: criteria provided, multiple submitters, no conflicts (2 of 4 stars). 3 submissions from 3 submitters: Benign (1); Likely benign (2). Last evaluated 2019-12-31.

Allele frequency attached by ClinVar (database versions not stated): gnomAD exomes 0.00055 and 0.00134; ExAC 0.00160; gnomAD 0.00583 and 0.00623; ESP Exome Variant Server 0.00604; TOPMed 0.00646; 1000 Genomes Project 30x 0.00812; 1000 Genomes Project 0.00819.
gnomAD v4.1: 1,738 of 1,613,576 alleles (0.11%); highest among the groups gnomAD compares: African/African-American, 2.1%; 22 homozygotes.

Submissions (3):

Labcorp Genetics (formerly Invitae), Labcorp
Classification: Benign. Last evaluated: 2019-12-31. Review status: criteria provided, single submitter. Criteria: Invitae Variant Classification Sherloc (09022015). Collection method: clinical testing. Allele origin: germline.

Center for Pediatric Genomic Medicine, Children's Mercy Hospital and Clinics
Classification: Likely benign. Last evaluated: 2017-01-18. Review status: criteria provided, single submitter. Criteria: ACMG Guidelines, 2015. Collection method: clinical testing. Allele origin: germline.
ClinVar note: Converted during submission from Likely Benign to Likely benign.

Breakthrough Genomics
Classification: Likely benign. Review status: criteria provided, single submitter. Criteria: ACMG Guidelines, 2015. Collection method: not provided. Allele origin: germline. Inheritance: Autosomal recessive inheritance. Affected: yes.

NM_198569.3(ADGRG6):c.794G>C (p.Gly265Ala)

Gene: ADGRG6 (adhesion G protein-coupled receptor G6; plus strand). Cytogenetic location: 6q24.2.
Variant type: single nucleotide variant.
Coding change: c.794G>C on transcript NM_198569.3 (MANE Select); coding-DNA position 794, G replaced by C.
Protein change: p.Gly265Ala; replaces glycine 265 with alanine.
Molecular consequence: missense variant.
Genome position (GRCh38, 1-based): chr6:142,370,518, G>C. VCF-style: chr6-142370518-G-C. GRCh37 (hg19) VCF-style: chr6-142691655-G-C.
Other names: c.794G>C, p.Gly265Ala (NM_001032394.3, NM_001032395.3, NM_020455.6); short protein forms G265A.
Identifiers: ClinVar variation 377371 (VCV000377371.8), dbSNP rs111589388, ClinGen allele CA4026710.